The following is an entry in ClinVar:

NM_001378743.1(CYLD):c.694A>G (p.Ile232Val)

Gene: CYLD (CYLD lysine 63 deubiquitinase; plus strand). Cytogenetic location: 16q12.1.
Variant type: single nucleotide variant.
Coding change: c.694A>G on transcript NM_001378743.1 (MANE Select); coding-DNA position 694, A replaced by G.
Protein change: p.Ile232Val; replaces isoleucine 232 with valine.
Molecular consequence: missense variant. On other transcripts: non-coding transcript variant (1).
Genome position (GRCh38, 1-based): chr16:50,751,793, A>G. VCF-style: chr16-50751793-A-G. GRCh37 (hg19) VCF-style: chr16-50785704-A-G.
Other names: c.694A>G, p.Ile232Val (NM_001042355.2, NM_001042412.3, NM_001378744.1 and 10 more transcripts); c.28A>G, p.Ile10Val (NM_001378754.1, NM_001378755.1); short protein forms I10V, I232V.
Identifiers: ClinVar variation 2681076 (VCV002681076.3), dbSNP rs915435587, ClinGen allele CA281298912.

ClinVar aggregate classification (germline): Uncertain significance. Review status: criteria provided, multiple submitters, no conflicts (2 of 4 stars). 2 submissions from 2 submitters: Uncertain significance (2). Last evaluated 2025-02-20.

Conditions:
Frontotemporal dementia and/or amyotrophic lateral sclerosis 8. Identifiers: MedGen C5436881, MONDO:0030872, OMIM 619132.

Allele frequency attached by ClinVar (database versions not stated): gnomAD 0.00001; TOPMed 0.00001; gnomAD exomes 0.00004.
gnomAD v4.1: 55 of 1,613,690 alleles (0.0034%); highest among the groups gnomAD compares: Non-Finnish European, 0.0046%; no homozygotes.

Submissions (2):

Labcorp Genetics (formerly Invitae), Labcorp
Classification: Uncertain significance. Last evaluated: 2025-02-20. Review status: criteria provided, single submitter. Criteria: Invitae Variant Classification Sherloc (09022015). Collection method: clinical testing. Allele origin: germline.
Comment: This sequence change replaces isoleucine, which is neutral and non-polar, with valine, which is neutral and non-polar, at codon 232 of the CYLD protein (p.Ile232Val). This variant is not present in population databases (gnomAD no frequency). This variant has not been reported in the literature in individuals affected with CYLD-related conditions. ClinVar contains an entry for this variant (Variation ID: 2681076). Invitae Evidence Modeling of protein sequence and biophysical properties (such as structural, functional, and spatial information, amino acid conservation, physicochemical variation, residue mobility, and thermodynamic stability) indicates that this missense variant is not expected to disrupt CYLD protein function with a negative predictive value of 80%. In summary, the available evidence is currently insufficient to determine the role of this variant in disease. Therefore, it has been classified as a Variant of Uncertain Significance.

Baylor Genetics
Classification: Uncertain significance for Frontotemporal dementia and/or amyotrophic lateral sclerosis 8. Last evaluated: 2024-03-11. Review status: criteria provided, single submitter. Criteria: ACMG Guidelines, 2015. Collection method: clinical testing. Allele origin: unknown.